The following is an entry in ClinVar:

NM_015231.3(NUP160):c.991C>T (p.Arg331Ter)

Gene: NUP160 (nucleoporin 160; minus strand). Cytogenetic location: 11p11.2.
Variant type: single nucleotide variant.
Coding change: c.991C>T on transcript NM_015231.3 (MANE Select); coding-DNA position 991, C replaced by T.
Protein change: p.Arg331Ter; replaces arginine 331 with a stop codon.
Molecular consequence: nonsense. On other transcripts: non-coding transcript variant (1).
Genome position (GRCh38, 1-based): chr11:47,835,659, G>A on the plus strand (C>T on the coding strand, the complement: NUP160 is on the minus strand). VCF-style: chr11-47835659-G-A. GRCh37 (hg19) VCF-style: chr11-47857211-G-A.
Other names: short protein forms R331*.
Identifiers: ClinVar variation 1941780 (VCV001941780.5), dbSNP rs1475321521, ClinGen allele CA380391721.
Genomic context (GRCh38, chr11:47,835,659, plus strand): 5'-TCCACATCAGTACACACAGAATAACTTGGTATGTGTCTTATTTGTTTCATACCTGTCCTC[G>A]TTTTGGTGCATGCATGTATATCCCCAGGTAGAGTCCCATGGTGGGGGAATAAGCAAGCCG-3'

ClinVar aggregate classification (germline): Pathogenic (1 of 4 stars; one submission).

Allele frequency attached by ClinVar (database versions not stated): gnomAD exomes below 0.00001; TOPMed below 0.00001.
gnomAD v4.1: 1 of 1,579,854 alleles (0.000063%); highest among the groups gnomAD compares: Non-Finnish European, 0.000086%; no homozygotes.

Submission:

Labcorp Genetics (formerly Invitae), Labcorp
Classification: Pathogenic. Last evaluated: 2025-06-12. Review status: criteria provided, single submitter. Criteria: Invitae Variant Classification Sherloc (09022015). Collection method: clinical testing. Allele origin: germline.
Comment: This sequence change creates a premature translational stop signal (p.Arg365*) in the NUP160 gene. It is expected to result in an absent or disrupted protein product. Loss-of-function variants in NUP160 are known to be pathogenic (PMID: 30910934). This variant is not present in population databases (gnomAD no frequency). This variant has not been reported in the literature in individuals affected with NUP160-related conditions. ClinVar contains an entry for this variant (Variation ID: 1941780). For these reasons, this variant has been classified as Pathogenic.

Literature cited by the submitters: PubMed 30910934.